The following is an entry in ClinVar:

NM_006031.6(PCNT):c.8565A>G (p.Arg2855=)

Gene: PCNT (pericentrin; plus strand). Cytogenetic location: 21q22.3.
Variant type: single nucleotide variant.
Coding change: c.8565A>G on transcript NM_006031.6 (MANE Select); coding-DNA position 8565, A replaced by G.
Protein change: p.Arg2855=; no amino-acid change (arginine 2855 retained).
Molecular consequence: synonymous variant. On other transcripts: intron variant (1).
Genome position (GRCh38, 1-based): chr21:46,432,029, A>G. VCF-style: chr21-46432029-A-G. GRCh37 (hg19) VCF-style: chr21-47851943-A-G.
Other names: c.8160+51A>G (NM_001315529.2).
Identifiers: ClinVar variation 3357860 (VCV003357860.1).

ClinVar aggregate classification (germline): Likely benign (0 of 4 stars; one submission).

Conditions:
PCNT-related disorder. Also called: PCNT-related condition.

Submission:

PreventionGenetics, part of Exact Sciences
Classification: Likely benign for PCNT-related condition. Last evaluated: 2024-08-09. Review status: no assertion criteria provided. Collection method: clinical testing. Allele origin: germline.
Comment: This variant is classified as likely benign based on ACMG/AMP sequence variant interpretation guidelines (Richards et al. 2015 PMID: 25741868, with internal and published modifications).